The following is an entry in ClinVar:

NM_001374385.1(ATP8B1):c.2006_2007delinsCA (p.Trp669Ser)

Gene: ATP8B1 (ATPase phospholipid transporting 8B1; minus strand). Cytogenetic location: 18q21.31.
Variant type: Indel.
Coding change: c.2006_2007delinsCA on transcript NM_001374385.1 (MANE Select); coding-DNA positions 2006 to 2007, GG replaced by CA.
Protein change: p.Trp669Ser; replaces tryptophan 669 with serine.
Molecular consequence: missense variant.
Genome position (GRCh38, 1-based): chr18:57,669,408-57,669,409, CC replaced by TG on the plus strand (GG replaced by CA on the coding strand, the reverse complement: ATP8B1 is on the minus strand). VCF-style: chr18-57669408-CC-TG. GRCh37 (hg19) VCF-style: chr18-55336640-CC-TG.
Other names: c.1856_1857delinsCA, p.Trp619Ser (NM_001374386.1); c.2006_2007delinsCA, p.Trp669Ser (NM_005603.6); short protein forms W619S, W669S.
Identifiers: ClinVar variation 1301359 (VCV001301359.1), dbSNP rs2122711462, ClinGen allele CA2573054688.
Genomic context (GRCh38, chr18:57,669,408, plus strand): 5'-TTTATCCAGAGCTTCGTCCCGGTTGGTGGAGGCCACACTGGCAGCCATAAACTTTTTATT[CC>TG]ATTCTGTAAATTCTTTTTCTTCAATTTCCTTGTAGCAAAGGCATAGGGTTCTAAGAGTTT-3'
Protein context (NP_001361314.1, residues 659-679): KEIEEKEFTE[Trp669Ser]NKKFMAASVA

ClinVar aggregate classification (germline): Uncertain significance (1 of 4 stars; one submission).

Submission:

Women's Health and Genetics/Laboratory Corporation of America, LabCorp
Classification: Uncertain significance. Last evaluated: 2021-09-13. Review status: criteria provided, single submitter. Criteria: LabCorp Variant Classification Summary - May 2015. Collection method: clinical testing. Allele origin: germline.
Comment: Variant summary: ATP8B1 c.2006_2007delinsCA (p.Trp669Ser) results in a non-conservative amino acid change located in the P-type ATPase, haloacid dehalogenase domain (IPR044492) of the encoded protein sequence. Four of four in-silico tools predict a damaging effect of the variant on protein function. The variant was absent in 251242 control chromosomes (gnomAD). The available data on variant occurrences in the general population are insufficient to allow any conclusion about variant significance. To our knowledge, no occurrence of c.2006_2007delinsCA in individuals affected with Familial Intrahepatic Cholestasis and no experimental evidence demonstrating its impact on protein function have been reported. No clinical diagnostic laboratories have submitted clinical-significance assessments for this variant to ClinVar after 2014. Based on the evidence outlined above, the variant was classified as uncertain significance.